The following is an entry in ClinVar:

NM_001408.3(CELSR2):c.2888G>A (p.Gly963Asp)

Gene: CELSR2 (cadherin EGF LAG seven-pass G-type receptor 2; plus strand). Cytogenetic location: 1p13.3.
Variant type: single nucleotide variant.
Coding change: c.2888G>A on transcript NM_001408.3 (MANE Select); coding-DNA position 2888, G replaced by A.
Protein change: p.Gly963Asp; replaces glycine 963 with aspartic acid.
Molecular consequence: missense variant.
Genome position (GRCh38, 1-based): chr1:109,252,967, G>A. VCF-style: chr1-109252967-G-A. GRCh37 (hg19) VCF-style: chr1-109795589-G-A.
Other names: short protein forms G963D.
Identifiers: ClinVar variation 3490100 (VCV003490100.3).

ClinVar aggregate classification (germline): Uncertain significance. Review status: criteria provided, multiple submitters, no conflicts (2 of 4 stars). 2 submissions from 2 submitters: Uncertain significance (2). Last evaluated 2024-11-13.

gnomAD v4.1: 185 of 1,612,362 alleles (0.011%); highest among the groups gnomAD compares: Admixed American, 0.02%; no homozygotes.

Submissions (2):

Ambry Genetics
Classification: Uncertain significance. Last evaluated: 2024-11-13. Review status: criteria provided, single submitter. Criteria: Ambry Variant Classification Scheme 2023. Collection method: clinical testing. Allele origin: germline.

Labcorp Genetics (formerly Invitae), Labcorp
Classification: Uncertain significance. Last evaluated: 2024-08-12. Review status: criteria provided, single submitter. Criteria: Invitae Variant Classification Sherloc (09022015). Collection method: clinical testing. Allele origin: germline.
Comment: This sequence change replaces glycine, which is neutral and non-polar, with aspartic acid, which is acidic and polar, at codon 963 of the CELSR2 protein (p.Gly963Asp). This variant is present in population databases (rs372276229, gnomAD 0.03%). This variant has not been reported in the literature in individuals affected with CELSR2-related conditions. Advanced modeling of protein sequence and biophysical properties (such as structural, functional, and spatial information, amino acid conservation, physicochemical variation, residue mobility, and thermodynamic stability) performed at Invitae indicates that this missense variant is expected to disrupt CELSR2 protein function with a positive predictive value of 80%. In summary, the available evidence is currently insufficient to determine the role of this variant in disease. Therefore, it has been classified as a Variant of Uncertain Significance.